The following is an entry in ClinVar:

ClinVar aggregate classification (germline): Likely benign. Review status: criteria provided, multiple submitters, no conflicts (2 of 4 stars). 4 submissions from 4 submitters: Likely benign (3). 1 of the submissions does not count toward it. Last evaluated 2025-02-16.

Conditions:
ARL6-related disorder. Also called: ARL6-related condition.

Allele frequency attached by ClinVar (database versions not stated): 1000 Genomes Project 30x 0.00031; TOPMed 0.00031; 1000 Genomes Project 0.00040; gnomAD 0.00084.

Submissions (4):

Laboratory of Genetics, Children's Clinical University Hospital Latvia
Classification: Likely benign. Last evaluated: 2025-02-16. Review status: criteria provided, single submitter. Criteria: ACMG Guidelines, 2015. Collection method: clinical testing. Allele origin: germline. Affected: yes.

Blueprint Genetics
Classification: Likely benign. Last evaluated: 2024-11-25. Review status: criteria provided, single submitter. Criteria: ACMG Guidelines, 2015. Collection method: clinical testing. Allele origin: germline.

CeGaT Center for Human Genetics Tuebingen
Classification: Likely benign. Last evaluated: 2024-07-01. Review status: criteria provided, single submitter. Criteria: CeGaT Center For Human Genetics Tuebingen Variant Classification Criteria Version 2. Collection method: clinical testing. Allele origin: germline. Affected: yes. Observed: 1 variant allele.
Comment: ARL6: BP4

PreventionGenetics, part of Exact Sciences
Classification: Likely benign for ARL6-related condition. Last evaluated: 2019-08-30. Review status: no assertion criteria provided. Collection method: clinical testing. Allele origin: germline. Not counted in ClinVar's aggregate classification.
Comment: This variant is classified as likely benign based on ACMG/AMP sequence variant interpretation guidelines (Richards et al. 2015 PMID: 25741868, with internal and published modifications).

NM_001278293.3(ARL6):c.535+122A>G

Gene: ARL6 (ARF like GTPase 6; plus strand). Cytogenetic location: 3q11.2.
Variant type: single nucleotide variant.
Coding change: c.535+122A>G on transcript NM_001278293.3 (MANE Select); 122 bases into the intron after coding-DNA position 535, A replaced by G.
Molecular consequence: intron variant.
Genome position (GRCh38, 1-based): chr3:97,791,948, A>G. VCF-style: chr3-97791948-A-G. GRCh37 (hg19) VCF-style: chr3-97510792-A-G.
Other names: c.535+122A>G (NM_032146.5, NM_177976.3); c.536-5A>G (NM_001323513.2); c.479+3829A>G (NM_001323514.2).
Identifiers: ClinVar variation 3042115 (VCV003042115.20), dbSNP rs569743237, ClinGen allele CA79494841.